The following is an entry in ClinVar:

ClinVar aggregate classification (germline): Likely benign (1 of 4 stars; one submission).

Allele frequency attached by ClinVar (database versions not stated): gnomAD exomes 0.00053; ExAC 0.00111; gnomAD 0.00265; TOPMed 0.00321; ESP Exome Variant Server 0.00323; 1000 Genomes Project 0.00359; 1000 Genomes Project 30x 0.00437.
gnomAD v4.1: 1,227 of 1,614,142 alleles (0.076%); highest among the groups gnomAD compares: African/African-American, 0.85%; 4 homozygotes.

Submission:

CeGaT Center for Human Genetics Tuebingen
Classification: Likely benign. Last evaluated: 2022-04-01. Review status: criteria provided, single submitter. Criteria: CeGaT Center For Human Genetics Tuebingen Variant Classification Criteria Version 2. Collection method: clinical testing. Allele origin: germline. Affected: yes. Observed: 1 variant allele.
Comment: AKAP1: BP4, BP7

NM_003488.4(AKAP1):c.2205G>A (p.Ala735=)

Gene: AKAP1 (A-kinase anchoring protein 1; plus strand). Cytogenetic location: 17q22.
Variant type: single nucleotide variant.
Coding change: c.2205G>A on transcript NM_003488.4 (MANE Select); coding-DNA position 2205, G replaced by A.
Protein change: p.Ala735=; no amino-acid change (alanine 735 retained).
Molecular consequence: synonymous variant.
Genome position (GRCh38, 1-based): chr17:57,114,560, G>A. VCF-style: chr17-57114560-G-A. GRCh37 (hg19) VCF-style: chr17-55191921-G-A.
Other names: c.2205G>A, p.Ala735= (NM_001242903.2, NM_001370423.1, NM_001370424.1 and 4 more transcripts).
Identifiers: ClinVar variation 2647951 (VCV002647951.24), dbSNP rs73317574, ClinGen allele CA8665913.